The following is an entry in ClinVar:

ClinVar aggregate classification (germline): Uncertain significance. Review status: criteria provided, multiple submitters, no conflicts (2 of 4 stars). 2 submissions from 2 submitters: Uncertain significance (2). Last evaluated 2025-07-08.

Conditions:
Inborn genetic diseases. Identifiers: MedGen C0950123, MeSH D030342.

gnomAD v4.1: 38 of 1,614,176 alleles (0.0024%); highest among the groups gnomAD compares: South Asian, 0.036%; 3 homozygotes.

Submissions (2):

GeneDx
Classification: Uncertain significance. Last evaluated: 2025-07-08. Review status: criteria provided, single submitter. Criteria: GeneDx Variant Classification Process June 2021. Collection method: clinical testing. Allele origin: germline. Affected: yes.
Comment: In silico analysis suggests that this missense variant does not alter protein structure/function; Has not been previously published as pathogenic or benign to our knowledge

Ambry Genetics
Classification: Uncertain significance for Inborn genetic diseases. Last evaluated: 2025-04-03. Review status: criteria provided, single submitter. Criteria: Ambry Variant Classification Scheme 2023. Collection method: clinical testing. Allele origin: germline.

NM_000433.4(NCF2):c.89G>A (p.Ser30Asn)

Gene: NCF2 (neutrophil cytosolic factor 2; minus strand). Cytogenetic location: 1q25.3.
Variant type: single nucleotide variant.
Coding change: c.89G>A on transcript NM_000433.4 (MANE Select); coding-DNA position 89, G replaced by A.
Protein change: p.Ser30Asn; replaces serine 30 with asparagine.
Molecular consequence: missense variant.
Genome position (GRCh38, 1-based): chr1:183,590,241, C>T on the plus strand (G>A on the coding strand, the complement: NCF2 is on the minus strand). VCF-style: chr1-183590241-C-T. GRCh37 (hg19) VCF-style: chr1-183559376-C-T.
Other names: c.89G>A, p.Ser30Asn (NM_001127651.3, NM_001190789.2, NM_001190794.2 and 1 more transcripts); short protein forms S30N.
Identifiers: ClinVar variation 3917857 (VCV003917857.2).